The following is an entry in ClinVar:

ClinVar aggregate classification (germline): Uncertain significance (1 of 4 stars; one submission).

Conditions:
T-cell immunodeficiency, congenital alopecia, and nail dystrophy. Also called: Congenital alopecia and nail dystrophy associated with severe functional T-cell immunodeficiency; Pignata Guarino syndrome. Identifiers: Orphanet 169095, MedGen C1866426, MONDO:0011132, OMIM 601705.

gnomAD v4.1: 16 of 1,612,912 alleles (0.00099%); highest among the groups gnomAD compares: African/African-American, 0.0013%; no homozygotes.

Submission:

Labcorp Genetics (formerly Invitae), Labcorp
Classification: Uncertain significance for T-cell immunodeficiency, congenital alopecia, and nail dystrophy. Last evaluated: 2024-09-01. Review status: criteria provided, single submitter. Criteria: Invitae Variant Classification Sherloc (09022015). Collection method: clinical testing. Allele origin: germline.
Comment: This sequence change replaces arginine, which is basic and polar, with cysteine, which is neutral and slightly polar, at codon 372 of the FOXN1 protein (p.Arg372Cys). The frequency data for this variant in the population databases is considered unreliable, as metrics indicate poor data quality at this position in the gnomAD database. This variant has not been reported in the literature in individuals affected with FOXN1-related conditions. Invitae Evidence Modeling of protein sequence and biophysical properties (such as structural, functional, and spatial information, amino acid conservation, physicochemical variation, residue mobility, and thermodynamic stability) indicates that this missense variant is not expected to disrupt FOXN1 protein function with a negative predictive value of 80%. In summary, the available evidence is currently insufficient to determine the role of this variant in disease. Therefore, it has been classified as a Variant of Uncertain Significance.

NM_001369369.1(FOXN1):c.1114C>T (p.Arg372Cys)

Gene: FOXN1 (forkhead box N1; plus strand). Cytogenetic location: 17q11.2.
Variant type: single nucleotide variant.
Coding change: c.1114C>T on transcript NM_001369369.1 (MANE Select); coding-DNA position 1114, C replaced by T.
Protein change: p.Arg372Cys; replaces arginine 372 with cysteine.
Molecular consequence: missense variant.
Genome position (GRCh38, 1-based): chr17:28,534,517, C>T. VCF-style: chr17-28534517-C-T. GRCh37 (hg19) VCF-style: chr17-26861535-C-T.
Other names: c.1114C>T, p.Arg372Cys (NM_003593.3); short protein forms R372C.
Identifiers: ClinVar variation 3705296 (VCV003705296.2).